The following is an entry in ClinVar:

ClinVar aggregate classification (germline): Uncertain significance. Review status: criteria provided, multiple submitters, no conflicts (2 of 4 stars). 2 submissions from 2 submitters: Uncertain significance (2). Last evaluated 2023-06-26.

Conditions:
Inborn genetic diseases. Identifiers: MedGen C0950123, MeSH D030342.

Allele frequency attached by ClinVar (database versions not stated): TOPMed 0.00001; ExAC 0.00002; gnomAD 0.00002 and 0.00003; gnomAD exomes 0.00002.

Submissions (2):

Ambry Genetics
Classification: Uncertain significance for Inborn genetic diseases. Last evaluated: 2023-06-26. Review status: criteria provided, single submitter. Criteria: Ambry Variant Classification Scheme 2023. Collection method: clinical testing. Allele origin: germline.

GeneDx
Classification: Uncertain significance. Last evaluated: 2017-08-01. Review status: criteria provided, single submitter. Criteria: GeneDx Variant Classification (06012015). Collection method: clinical testing. Allele origin: germline. Affected: yes.
Comment: The N335S variant in the COCH gene has not been reported previously as a pathogenic variant, nor as a benign variant, to our knowledge. The N335S variant is observed in 2/16478 (0.012%) alleles from individuals of South Asian background, in the ExAC dataset (Lek et al., 2016). The N335S variant is a conservative amino acid substitution, which is not likely to impact secondary protein structure as these residues share similar properties. This substitution occurs at a position where amino acids with similar properties to Asparagine are tolerated across species. In silico analysis is inconsistent in its predictions as to whether or not the variant is damaging to the protein structure/function. We interpret N335S as a variant of uncertain significance.

NM_004086.3(COCH):c.1004A>G (p.Asn335Ser)

Genes: COCH (cochlin; plus strand), LOC100506071 (uncharacterized LOC100506071; minus strand). Cytogenetic location: 14q12.
Variant type: single nucleotide variant.
Coding change: c.1004A>G on transcript NM_004086.3 (MANE Select); coding-DNA position 1004, A replaced by G.
Protein change: p.Asn335Ser; replaces asparagine 335 with serine.
Molecular consequence: missense variant. On other transcripts: non-coding transcript variant (1).
Genome position (GRCh38, 1-based): chr14:30,885,839, A>G. VCF-style: chr14-30885839-A-G. GRCh37 (hg19) VCF-style: chr14-31355045-A-G.
Other names: c.1004A>G, p.Asn335Ser (NM_001135058.2); c.1199A>G, p.Asn400Ser (NM_001347720.2); short protein forms N335S, N400S.
Identifiers: ClinVar variation 450923 (VCV000450923.4), dbSNP rs765216094, ClinGen allele CA7143247.